The following is an entry in ClinVar:

ClinVar aggregate classification (germline): Conflicting classifications of pathogenicity. Review status: criteria provided, conflicting classifications (1 of 4 stars). 5 submissions from 5 submitters: Pathogenic (1); Likely pathogenic (3); Uncertain significance (1). Last evaluated 2025-10-17.

Conditions:
Oculocutaneous albinism. Identifiers: Orphanet 55, MedGen C0078918, MONDO:0018910.
Oculocutaneous albinism type 1A (OCA1A). Also called: Albinism, oculocutaneous, type IA. Identifiers: Orphanet 352731, Orphanet 79431, MedGen C4551504, MONDO:0008745, OMIM 203100. Disease mechanism: loss of function.
Oculocutaneous albinism type 1B (OCA1B). Also called: YELLOW ALBINISM; ALBINISM, OCULOCUTANEOUS, TYPE IB; ALBINISM, YELLOW MUTANT TYPE. Identifiers: Orphanet 352731, Orphanet 352737, Orphanet 79434, MedGen C1847024, MONDO:0011749, OMIM 606952.
SKIN/HAIR/EYE PIGMENTATION 3, LIGHT/DARK SKIN (SHEP3). Also called: SKIN/HAIR/EYE PIGMENTATION 3, BLUE/GREEN EYE COLOR; SKIN/HAIR/EYE PIGMENTATION 3, FRECKLING; SKIN/HAIR/EYE PIGMENTATION, VARIATION IN, 3; EYE COLOR 1; EYE COLOR, GREEN/BLUE. Identifiers: MedGen C2677190, OMIM 601800.
TYR-related disorder. Also called: TYR-related condition.

Allele frequency attached by ClinVar (database versions not stated): gnomAD exomes below 0.00001; ExAC 0.00001; gnomAD 0.00001; 1000 Genomes Project 30x 0.00016; 1000 Genomes Project 0.00020.
gnomAD v4.1: 26 of 1,614,158 alleles (0.0016%); highest among the groups gnomAD compares: Non-Finnish European, 0.0021%; no homozygotes.

Submissions (5):

Labcorp Genetics (formerly Invitae), Labcorp
Classification: Pathogenic. Last evaluated: 2025-10-17. Review status: criteria provided, single submitter. Criteria: Invitae Variant Classification Sherloc (09022015). Collection method: clinical testing. Allele origin: germline.
Comment: This sequence change replaces valine, which is neutral and non-polar, with methionine, which is neutral and non-polar, at codon 183 of the TYR protein (p.Val183Met). This variant is present in population databases (rs141930049, gnomAD 0.0009%). This missense change has been observed in individual(s) with oculocutaneous albinism (internal data). In at least one individual the data is consistent with being in trans (on the opposite chromosome) from a pathogenic variant. ClinVar contains an entry for this variant (Variation ID: 1465246). Invitae Evidence Modeling of protein sequence and biophysical properties (such as structural, functional, and spatial information, amino acid conservation, physicochemical variation, residue mobility, and thermodynamic stability) indicates that this missense variant is expected to disrupt TYR protein function with a positive predictive value of 95%. This variant disrupts the p.Val183 amino acid residue in TYR. Other variant(s) that disrupt this residue have been observed in individuals with TYR-related conditions (PMID: 29345414), which suggests that this may be a clinically significant amino acid residue. For these reasons, this variant has been classified as Pathogenic.

Women's Health and Genetics/Laboratory Corporation of America, LabCorp
Classification: Likely pathogenic for Oculocutaneous albinism. Last evaluated: 2025-07-03. Review status: criteria provided, single submitter. Criteria: LabCorp Variant Classification Summary - May 2015. Collection method: clinical testing. Allele origin: germline.
Comment: Variant summary: TYR c.547G>A (p.Val183Met) results in a conservative amino acid change located in the Tyrosinase copper-binding domain (IPR002227) of the encoded protein sequence. Algorithms developed to predict the effect of missense changes on protein structure and function are either unavailable or do not agree on the potential impact of this missense change. The variant allele was found at a frequency of 4e-06 in 251442 control chromosomes. c.547G>A has been observed in compound heterozygous individuals affected with Oculocutaneous Albinism (Wei_2022, Loftus_2023, internal data). These data indicate that the variant is likely to be associated with disease. To our knowledge, no experimental evidence demonstrating an impact on protein function has been reported. The following publications have been ascertained in the context of this evaluation (PMID: 37327787, 34838614). ClinVar contains an entry for this variant (Variation ID: 1465246). Based on the evidence outlined above, the variant was classified as likely pathogenic.

Fulgent Genetics
Classification: Likely pathogenic for Oculocutaneous albinism type 1A; SKIN/HAIR/EYE PIGMENTATION 3, LIGHT/DARK SKIN; Oculocutaneous albinism type 1B. Last evaluated: 2024-06-24. Review status: criteria provided, single submitter. Criteria: ACMG Guidelines, 2015. Collection method: clinical testing. Allele origin: germline.

PreventionGenetics, part of Exact Sciences
Classification: Uncertain significance for TYR-related condition. Last evaluated: 2023-07-06. Review status: criteria provided, single submitter. Criteria: ACMG Guidelines, 2015. Collection method: clinical testing. Allele origin: germline.
Comment: The TYR c.547G>A variant is predicted to result in the amino acid substitution p.Val183Met. To our knowledge, this variant has not been reported in the literature. However, a different variant affecting this same amino acid residue (p.Val183Leu) has been reported in the compound heterozygous state in an individual with oculocutaneous albinism (Supplementary Table 1 in Lasseaux et al. 2018. PubMed ID: 29345414). Additionally, here at PreventionGenetics, we have observed this c.547G>A (p.Val183Met) variant along with a frameshift variant in at least two individuals with oculocutaneous albinism (internal data). This variant is documented in 0.00088% of alleles in individuals of European (Non-Finnish) descent in gnomAD. Although we suspect that this variant may be pathogenic, at this time, the clinical significance of this variant is uncertain due to the absence of conclusive functional and genetic evidence.

Blueprint Genetics
Classification: Likely pathogenic for TYR-related disorders. Last evaluated: 2022-04-07. Review status: criteria provided, single submitter. Criteria: ACMG Guidelines, 2015. Collection method: clinical testing. Allele origin: germline. Affected: yes. Observed: 2 variant alleles.

Literature cited by the submitters: PubMed 29345414 (cited by Labcorp Genetics (formerly Invitae), Labcorp); PubMed 34838614 (cited by Women's Health and Genetics/Laboratory Corporation of America, LabCorp); PubMed 37327787 (cited by Women's Health and Genetics/Laboratory Corporation of America, LabCorp).

NM_000372.5(TYR):c.547G>A (p.Val183Met)

Gene: TYR (tyrosinase; plus strand). Cytogenetic location: 11q14.3.
Variant type: single nucleotide variant.
Coding change: c.547G>A on transcript NM_000372.5 (MANE Select); coding-DNA position 547, G replaced by A.
Protein change: p.Val183Met; replaces valine 183 with methionine.
Molecular consequence: missense variant.
Genome position (GRCh38, 1-based): chr11:89,178,500, G>A. VCF-style: chr11-89178500-G-A. GRCh37 (hg19) VCF-style: chr11-88911668-G-A.
Other names: c.547G>A (NM_000372.4); short protein forms V183M.
Identifiers: ClinVar variation 1465246 (VCV001465246.14), dbSNP rs141930049, ClinGen allele CA6221136.